The following is an entry in ClinVar:

ClinVar aggregate classification (germline): Uncertain significance. Review status: criteria provided, multiple submitters, no conflicts (2 of 4 stars). 2 submissions from 2 submitters: Uncertain significance (2). Last evaluated 2022-04-01.

Conditions:
Nephronophthisis. Also called: Juvenile Nephronophthisis. Identifiers: Orphanet 655, MedGen C0687120, MONDO:0019005, HP:0000090.
Jeune thoracic dystrophy. Also called: Jeune syndrome; Infantile thoracic dystrophy; Thoracic pelvic phalangeal dystrophy; Jeune's syndrome; Chondroectodermal dysplasia-like syndrome; Short-rib thoracic dysplasia. Identifiers: Orphanet 474, MedGen C0265275, MONDO:0018770.
Asphyxiating thoracic dystrophy 4 (SRTD4). Also called: SHORT-RIB THORACIC DYSPLASIA 4 WITH OR WITHOUT POLYDACTYLY; SHORT-RIB THORACIC DYSPLASIA 4. Identifiers: Orphanet 474, MedGen C3151185, MONDO:0013441, OMIM 613819.
Nephronophthisis 12 (NPHP12). Identifiers: Orphanet 655, MedGen C3151186, MONDO:0013442, OMIM 613820.

Allele frequency attached by ClinVar (database versions not stated): gnomAD 0.00001; gnomAD exomes 0.00001 and 0.00004; ExAC 0.00002; TOPMed 0.00005; 1000 Genomes Project 30x 0.00016; 1000 Genomes Project 0.00020.
gnomAD v4.1: 12 of 1,613,438 alleles (0.00074%); highest among the groups gnomAD compares: East Asian, 0.0089%; no homozygotes.

Submissions (2):

Fulgent Genetics
Classification: Uncertain significance for Asphyxiating thoracic dystrophy 4; Nephronophthisis 12. Last evaluated: 2022-04-01. Review status: criteria provided, single submitter. Criteria: ACMG Guidelines, 2015. Collection method: clinical testing. Allele origin: unknown.

Labcorp Genetics (formerly Invitae), Labcorp
Classification: Uncertain significance for Jeune thoracic dystrophy; Nephronophthisis. Last evaluated: 2021-12-08. Review status: criteria provided, single submitter. Criteria: Invitae Variant Classification Sherloc (09022015). Collection method: clinical testing. Allele origin: germline.
Comment: This sequence change replaces arginine, which is basic and polar, with glutamine, which is neutral and polar, at codon 1263 of the TTC21B protein (p.Arg1263Gln). This variant is present in population databases (rs201495700, gnomAD 0.03%). This variant has not been reported in the literature in individuals affected with TTC21B-related conditions. ClinVar contains an entry for this variant (Variation ID: 1050864). Algorithms developed to predict the effect of missense changes on protein structure and function output the following: SIFT: "Tolerated"; PolyPhen-2: "Benign"; Align-GVGD: "Class C0". The glutamine amino acid residue is found in multiple mammalian species, which suggests that this missense change does not adversely affect protein function. In summary, the available evidence is currently insufficient to determine the role of this variant in disease. Therefore, it has been classified as a Variant of Uncertain Significance.

NM_024753.5(TTC21B):c.3788G>A (p.Arg1263Gln)

Gene: TTC21B (tetratricopeptide repeat domain 21B; minus strand). Cytogenetic location: 2q24.3.
Variant type: single nucleotide variant.
Coding change: c.3788G>A on transcript NM_024753.5 (MANE Select); coding-DNA position 3788, G replaced by A.
Protein change: p.Arg1263Gln; replaces arginine 1263 with glutamine.
Molecular consequence: missense variant.
Genome position (GRCh38, 1-based): chr2:165,880,696, C>T on the plus strand (G>A on the coding strand, the complement: TTC21B is on the minus strand). VCF-style: chr2-165880696-C-T. GRCh37 (hg19) VCF-style: chr2-166737206-C-T.
Other names: short protein forms R1263Q.
Identifiers: ClinVar variation 1050864 (VCV001050864.5), dbSNP rs201495700, ClinGen allele CA1941404.